The following is an entry in ClinVar:

ClinVar aggregate classification (germline): Benign/Likely benign. Review status: criteria provided, multiple submitters, no conflicts (2 of 4 stars). 2 submissions from 2 submitters: Benign (1); Likely benign (1). Last evaluated 2023-12-06.

Allele frequency attached by ClinVar (database versions not stated): ExAC 0.00007; gnomAD exomes 0.00007 and 0.00010; gnomAD 0.00009 and 0.00011; TOPMed 0.00012; 1000 Genomes Project 30x 0.00031.

Submissions (2):

Labcorp Genetics (formerly Invitae), Labcorp
Classification: Likely benign. Last evaluated: 2023-12-06. Review status: criteria provided, single submitter. Criteria: Invitae Variant Classification Sherloc (09022015). Collection method: clinical testing. Allele origin: germline.

GeneDx
Classification: Benign. Last evaluated: 2014-04-01. Review status: criteria provided, single submitter. Criteria: GeneDx Variant Classification (06012015). Collection method: clinical testing. Allele origin: germline. Affected: yes.
Comment: The variant is found in MITONUC-MITOP panel(s).

NM_020191.4(MRPS22):c.173-15_173-14dup

Gene: MRPS22 (mitochondrial ribosomal protein S22; plus strand). Cytogenetic location: 3q23.
Variant type: Duplication.
Coding change: c.173-15_173-14dup on transcript NM_020191.4 (MANE Select); 15 bases into the intron before coding-DNA position 173 through 14 bases into the intron before coding-DNA position 173, 2 bases duplicated (TA; older notation c.173-15_173-14dupTA).
Molecular consequence: intron variant.
Genome position (GRCh38, 1-based): chr3:139,346,863-139,346,864, TA duplicated. VCF-style (leftmost placement, unchanged base first): chr3-139346862-C-CTA. GRCh37 (hg19) VCF-style: chr3-139065704-C-CTA.
Other names: c.173-18_173-17dup (NM_001363893.1); c.50-15_50-14dup (NM_001363857.1).
Identifiers: ClinVar variation 214678 (VCV000214678.9), dbSNP rs863224076, ClinGen allele CA322347.
Genomic context (GRCh38, chr3:139,346,862, plus strand): 5'-TAACTGACTTTTCTATTTAGAGGTCTTGTTAGCTTGTCATTTTTGTCAGCTTCTTATTTA[C>CTA]TAAAGTCCATTTTAGCAGAATCTGGTAGCCCAGAGACCAAGAAACCTACATTTATGGATG-3'